The following is an entry in ClinVar:

NM_004260.4(RECQL4):c.2362C>A (p.His788Asn)

Gene: RECQL4 (RecQ like helicase 4; minus strand). Cytogenetic location: 8q24.3.
Variant type: single nucleotide variant.
Coding change: c.2362C>A on transcript NM_004260.4 (MANE Select); coding-DNA position 2362, C replaced by A.
Protein change: p.His788Asn; replaces histidine 788 with asparagine.
Molecular consequence: missense variant.
Genome position (GRCh38, 1-based): chr8:144,513,319, G>T on the plus strand (C>A on the coding strand, the complement: RECQL4 is on the minus strand). VCF-style: chr8-144513319-G-T. GRCh37 (hg19) VCF-style: chr8-145738702-G-T.
Other names: short protein forms H788N.
Identifiers: ClinVar variation 570918 (VCV000570918.4), dbSNP rs773864273, ClinGen allele CA372678284.

ClinVar aggregate classification (germline): Uncertain significance (1 of 4 stars; one submission).

Conditions:
Baller-Gerold syndrome (BGS). Also called: CRANIOSYNOSTOSIS WITH RADIAL DEFECTS. Identifiers: Orphanet 1225, MedGen C0265308, MONDO:0009039, OMIM 218600.

gnomAD v4.1: 6 of 1,602,358 alleles (0.00037%); highest among the groups gnomAD compares: Non-Finnish European, 0.00051%; no homozygotes.

Submission:

Labcorp Genetics (formerly Invitae), Labcorp
Classification: Uncertain significance for Baller-Gerold syndrome. Last evaluated: 2020-11-11. Review status: criteria provided, single submitter. Criteria: Invitae Variant Classification Sherloc (09022015). Collection method: clinical testing. Allele origin: germline.
Comment: This variant is not present in population databases (ExAC no frequency). This sequence change replaces histidine with asparagine at codon 788 of the RECQL4 protein (p.His788Asn). The histidine residue is highly conserved and there is a small physicochemical difference between histidine and asparagine. In summary, the available evidence is currently insufficient to determine the role of this variant in disease. Therefore, it has been classified as a Variant of Uncertain Significance. Algorithms developed to predict the effect of missense changes on protein structure and function (SIFT, PolyPhen-2, Align-GVGD) all suggest that this variant is likely to be disruptive, but these predictions have not been confirmed by published functional studies and their clinical significance is uncertain. This variant has not been reported in the literature in individuals with RECQL4-related disease.